The following is an entry in ClinVar:

NM_003676.4(DEGS1):c.634A>G (p.Met212Val)

Gene: DEGS1 (delta 4-desaturase, sphingolipid 1; plus strand). Cytogenetic location: 1q42.11.
Variant type: single nucleotide variant.
Coding change: c.634A>G on transcript NM_003676.4 (MANE Select); coding-DNA position 634, A replaced by G.
Protein change: p.Met212Val; replaces methionine 212 with valine.
Molecular consequence: missense variant.
Genome position (GRCh38, 1-based): chr1:224,190,128, A>G. VCF-style: chr1-224190128-A-G. GRCh37 (hg19) VCF-style: chr1-224377830-A-G.
Other names: c.634A>G, p.Met212Val (NM_001321541.2); c.526A>G, p.Met176Val (NM_001321542.2); short protein forms M176V, M212V.
Identifiers: ClinVar variation 1512718 (VCV001512718.8), dbSNP rs549896177, ClinGen allele CA1413663.
Genomic context (GRCh38, chr1:224,190,128, plus strand): 5'-GCACAGGTCACTTTTGACATTTTAATTTATTACTTTTTGGGAATTAAATCCTTAGTCTAC[A>G]TGTTGGCAGCATCTTTACTTGGCCTGGGTTTGCACCCAATTTCTGGACATTTTATAGCTG-3'
Protein context (NP_003667.1, residues 202-222): YFLGIKSLVY[Met212Val]LAASLLGLGL

ClinVar aggregate classification (germline): Uncertain significance (1 of 4 stars; one submission).

Allele frequency attached by ClinVar (database versions not stated): gnomAD exomes below 0.00001 and 0.00001; TOPMed below 0.00001; gnomAD 0.00001; ExAC 0.00002; 1000 Genomes Project 0.00020; 1000 Genomes Project 30x 0.00031.
gnomAD v4.1: 6 of 1,610,608 alleles (0.00037%); highest among the groups gnomAD compares: Admixed American, 0.0017%; no homozygotes.

Submission:

Labcorp Genetics (formerly Invitae), Labcorp
Classification: Uncertain significance. Last evaluated: 2022-07-05. Review status: criteria provided, single submitter. Criteria: Invitae Variant Classification Sherloc (09022015). Collection method: clinical testing. Allele origin: germline.
Comment: In summary, the available evidence is currently insufficient to determine the role of this variant in disease. Therefore, it has been classified as a Variant of Uncertain Significance. Algorithms developed to predict the effect of missense changes on protein structure and function output the following: SIFT: "Deleterious"; PolyPhen-2: "Benign"; Align-GVGD: "Class C0". The valine amino acid residue is found in multiple mammalian species, which suggests that this missense change does not adversely affect protein function. ClinVar contains an entry for this variant (Variation ID: 1512718). This variant has not been reported in the literature in individuals affected with DEGS1-related conditions. This variant is present in population databases (rs549896177, gnomAD 0.002%). This sequence change replaces methionine, which is neutral and non-polar, with valine, which is neutral and non-polar, at codon 212 of the DEGS1 protein (p.Met212Val).